The following is an entry in ClinVar:

NM_020937.4(FANCM):c.2160+7T>G

Gene: FANCM (FA complementation group M; plus strand). Cytogenetic location: 14q21.2.
Variant type: single nucleotide variant.
Coding change: c.2160+7T>G on transcript NM_020937.4 (MANE Select); 7 bases into the intron after coding-DNA position 2160, T replaced by G.
Molecular consequence: intron variant.
Genome position (GRCh38, 1-based): chr14:45,170,753, T>G. VCF-style: chr14-45170753-T-G. GRCh37 (hg19) VCF-style: chr14-45639956-T-G.
Other names: c.2082+7T>G (NM_001308133.2).
Identifiers: ClinVar variation 3572302 (VCV003572302.1).
Genomic context (GRCh38, chr14:45,170,753, plus strand): 5'-ATAACATTGCCTCAAGTTCAGTTTTCTTCTTTACAAAATGAGGAAAACAAACCAGTAAGT[T>G]GAATATATTTTCAGATGTTCTTTTCCCCCCCCTCATTTTAATGCCAGAACCCCTCAGATG-3'

ClinVar aggregate classification (germline): Uncertain significance (1 of 4 stars; one submission).

Submission:

Quest Diagnostics Nichols Institute San Juan Capistrano
Classification: Uncertain significance. Last evaluated: 2024-11-21. Review status: criteria provided, single submitter. Criteria: Quest Diagnostics criteria. Collection method: clinical testing. Allele origin: unknown.
Comment: The FANCM c.2160+7T>G variant has not been reported in individuals with FANCM-related conditions in the published literature. The frequency of this variant in the general population, 0.00028 (10/35392 chromosomes (Genome Aggregation Database)), is uninformative in the assessment of its pathogenicity. Analysis of this variant using software algorithms for the prediction of the effect of nucleotide changes on splicing yielded predictions that this variant does not affect FANCM mRNA splicing. Based on the available information, we are unable to determine the clinical significance of this variant.